The following is an entry in ClinVar:

NM_001378615.1(CC2D2A):c.2843G>A (p.Arg948Gln)

Genes: FBXL5 (F-box and leucine rich repeat protein 5; minus strand), CC2D2A (coiled-coil and C2 domain containing 2A; plus strand). Cytogenetic location: 4p15.32.
Variant type: single nucleotide variant.
Coding change: c.2843G>A on transcript NM_001378615.1 (MANE Select); coding-DNA position 2843, G replaced by A.
Protein change: p.Arg948Gln; replaces arginine 948 with glutamine.
Molecular consequence: missense variant.
Genome position (GRCh38, 1-based): chr4:15,559,178, G>A. VCF-style: chr4-15559178-G-A. GRCh37 (hg19) VCF-style: chr4-15560801-G-A.
Other names: c.2843G>A, p.Arg948Gln (NM_001080522.2); c.2696G>A, p.Arg899Gln (NM_001378617.1); short protein forms R948Q, R899Q.
Identifiers: ClinVar variation 961210 (VCV000961210.10), dbSNP rs532411276, ClinGen allele CA2864022.
Genomic context (GRCh38, chr4:15,559,178, plus strand): 5'-AAAGCACCAGAGAGTGCTTTAAAATCATTGCCTCTTTTTAATTTTAGGACTATGAGAAAC[G>A]GTTACGAGACAGAAATGTAATAGAAACCAAGGAACACATAGACACCCATAGGGCCATAGT-3'
Protein context (NP_001365544.1, residues 938-958): MEKVFQDYEK[Arg948Gln]LRDRNVIETK

ClinVar aggregate classification (germline): Conflicting classifications of pathogenicity. Review status: criteria provided, conflicting classifications (1 of 4 stars). 4 submissions from 4 submitters: Uncertain significance (1); Likely benign (2). 1 of the submissions does not count toward it. Last evaluated 2026-01-26.

Conditions:
Inborn genetic diseases. Identifiers: MedGen C0950123, MeSH D030342.
Meckel-Gruber syndrome. Also called: Dysencephalia splachnocystica; DYSENCEPHALIA SPLANCHNOCYSTICA; GRUBER SYNDROME. Identifiers: Orphanet 564, MedGen C0265215, MONDO:0018921.
Joubert syndrome. Also called: Familial aplasia of the vermis; JOUBERT-BOLTSHAUSER SYNDROME. Identifiers: Orphanet 475, MedGen C5979921, MONDO:0018772.
CC2D2A-related disorder. Also called: CC2D2A-related disorders; CC2D2A-related condition. Identifiers: MedGen CN239313.

Allele frequency attached by ClinVar (database versions not stated): TOPMed 0.00002; gnomAD 0.00004 and 0.00007; 1000 Genomes Project 30x 0.00016; 1000 Genomes Project 0.00020; gnomAD exomes 0.00023; ExAC 0.00059.
gnomAD v4.1: 148 of 1,547,426 alleles (0.0096%); highest among the groups gnomAD compares: South Asian, 0.15%; 3 homozygotes.

Submissions (4):

Labcorp Genetics (formerly Invitae), Labcorp
Classification: Likely benign for Joubert syndrome; Meckel-Gruber syndrome. Last evaluated: 2026-01-26. Review status: criteria provided, single submitter. Criteria: Invitae Variant Classification Sherloc (09022015). Collection method: clinical testing. Allele origin: germline.

Ambry Genetics
Classification: Likely benign for Inborn genetic diseases. Last evaluated: 2025-06-19. Review status: criteria provided, single submitter. Criteria: Ambry Variant Classification Scheme 2023. Collection method: clinical testing. Allele origin: germline.

Blueprint Genetics
Classification: Uncertain significance. Last evaluated: 2023-03-01. Review status: criteria provided, single submitter. Criteria: ACMG Guidelines, 2015. Collection method: clinical testing. Allele origin: germline.

PreventionGenetics, part of Exact Sciences
Classification: Likely benign for CC2D2A-related condition. Last evaluated: 2024-03-06. Review status: no assertion criteria provided. Collection method: clinical testing. Allele origin: germline. Not counted in ClinVar's aggregate classification.
Comment: This variant is classified as likely benign based on ACMG/AMP sequence variant interpretation guidelines (Richards et al. 2015 PMID: 25741868, with internal and published modifications).